The following is an entry in ClinVar:

NM_020812.4(DOCK6):c.1358C>T (p.Thr453Met)

Gene: DOCK6 (dedicator of cytokinesis 6; minus strand). Cytogenetic location: 19p13.2.
Variant type: single nucleotide variant.
Coding change: c.1358C>T on transcript NM_020812.4 (MANE Select); coding-DNA position 1358, C replaced by T.
Protein change: p.Thr453Met; replaces threonine 453 with methionine.
Molecular consequence: missense variant.
Genome position (GRCh38, 1-based): chr19:11,243,286, G>A on the plus strand (C>T on the coding strand, the complement: DOCK6 is on the minus strand). VCF-style: chr19-11243286-G-A. GRCh37 (hg19) VCF-style: chr19-11353962-G-A.
Other names: c.1358C>T, p.Thr453Met (NM_001367830.1); short protein forms T453M.
Identifiers: ClinVar variation 1422306 (VCV001422306.5), dbSNP rs752970838, ClinGen allele CA9208167.

ClinVar aggregate classification (germline): Uncertain significance. Review status: criteria provided, multiple submitters, no conflicts (2 of 4 stars). 2 submissions from 2 submitters: Uncertain significance (2). Last evaluated 2024-12-30.

Allele frequency attached by ClinVar (database versions not stated): ExAC 0.00004; gnomAD exomes 0.00004 and 0.00008; gnomAD 0.00008; TOPMed 0.00015.
gnomAD v4.1: 76 of 1,607,264 alleles (0.0047%); highest among the groups gnomAD compares: Admixed American, 0.041%; no homozygotes.

Submissions (2):

Labcorp Genetics (formerly Invitae), Labcorp
Classification: Uncertain significance. Last evaluated: 2024-12-30. Review status: criteria provided, single submitter. Criteria: Invitae Variant Classification Sherloc (09022015). Collection method: clinical testing. Allele origin: germline.
Comment: This sequence change replaces threonine, which is neutral and polar, with methionine, which is neutral and non-polar, at codon 453 of the DOCK6 protein (p.Thr453Met). This variant is present in population databases (rs752970838, gnomAD 0.04%). This variant has not been reported in the literature in individuals affected with DOCK6-related conditions. ClinVar contains an entry for this variant (Variation ID: 1422306). Invitae Evidence Modeling of protein sequence and biophysical properties (such as structural, functional, and spatial information, amino acid conservation, physicochemical variation, residue mobility, and thermodynamic stability) indicates that this missense variant is expected to disrupt DOCK6 protein function with a positive predictive value of 80%. In summary, the available evidence is currently insufficient to determine the role of this variant in disease. Therefore, it has been classified as a Variant of Uncertain Significance.

Blueprint Genetics
Classification: Uncertain significance. Last evaluated: 2024-10-25. Review status: criteria provided, single submitter. Criteria: ACMG Guidelines, 2015. Collection method: clinical testing. Allele origin: germline.